The following is an entry in ClinVar:

NM_003104.6(SORD):c.786+5G>A

Gene: SORD (sorbitol dehydrogenase; plus strand). Cytogenetic location: 15q21.1.
Variant type: single nucleotide variant.
Coding change: c.786+5G>A on transcript NM_003104.6 (MANE Select); 5 bases into the intron after coding-DNA position 786, G replaced by A.
Molecular consequence: intron variant.
Genome position (GRCh38, 1-based): chr15:45,069,057, G>A. VCF-style: chr15-45069057-G-A. GRCh37 (hg19) VCF-style: chr15-45361255-G-A.
Identifiers: ClinVar variation 1298618 (VCV001298618.35), dbSNP rs748914286, ClinGen allele CA7537322.

ClinVar aggregate classification (germline): Likely pathogenic (1 of 4 stars; one submission).

Allele frequency attached by ClinVar (database versions not stated): gnomAD 0.00002; gnomAD exomes 0.00002; TOPMed 0.00002; ExAC 0.00005.
gnomAD v4.1: 29 of 1,604,912 alleles (0.0018%); highest among the groups gnomAD compares: Admixed American, 0.0034%; no homozygotes.

Submission:

CeGaT Center for Human Genetics Tuebingen
Classification: Likely pathogenic. Last evaluated: 2026-04-01. Review status: criteria provided, single submitter. Criteria: CeGaT Center For Human Genetics Tuebingen Variant Classification Criteria Version 2. Collection method: clinical testing. Allele origin: germline. Affected: yes. Observed: 5 variant alleles.
Comment: SORD: PM3:Strong, PM2, PP3